The following is an entry in ClinVar:

NM_006005.3(WFS1):c.1755C>A (p.Phe585Leu)

Gene: WFS1 (wolframin ER transmembrane glycoprotein; plus strand). Cytogenetic location: 4p16.1.
Variant type: single nucleotide variant.
Coding change: c.1755C>A on transcript NM_006005.3 (MANE Select); coding-DNA position 1755, C replaced by A.
Protein change: p.Phe585Leu; replaces phenylalanine 585 with leucine.
Molecular consequence: missense variant.
Genome position (GRCh38, 1-based): chr4:6,301,550, C>A. VCF-style: chr4-6301550-C-A. GRCh37 (hg19) VCF-style: chr4-6303277-C-A.
Other names: c.1755C>A, p.Phe585Leu (NM_001145853.1); short protein forms F585L.
Identifiers: ClinVar variation 3685750 (VCV003685750.2).

ClinVar aggregate classification (germline): Uncertain significance (1 of 4 stars; one submission).

gnomAD v4.1: 1 of 1,614,068 alleles (0.000062%); highest among the groups gnomAD compares: South Asian, 0.0011%; no homozygotes.

Submission:

Labcorp Genetics (formerly Invitae), Labcorp
Classification: Uncertain significance. Last evaluated: 2024-10-05. Review status: criteria provided, single submitter. Criteria: Invitae Variant Classification Sherloc (09022015). Collection method: clinical testing. Allele origin: germline.
Comment: This sequence change replaces phenylalanine, which is neutral and non-polar, with leucine, which is neutral and non-polar, at codon 585 of the WFS1 protein (p.Phe585Leu). This variant is present in population databases (no rsID available, gnomAD 0.003%). This variant has not been reported in the literature in individuals affected with WFS1-related conditions. Invitae Evidence Modeling of protein sequence and biophysical properties (such as structural, functional, and spatial information, amino acid conservation, physicochemical variation, residue mobility, and thermodynamic stability) indicates that this missense variant is not expected to disrupt WFS1 protein function with a negative predictive value of 95%. In summary, the available evidence is currently insufficient to determine the role of this variant in disease. Therefore, it has been classified as a Variant of Uncertain Significance.